The following is an entry in ClinVar:

NM_170606.3(KMT2C):c.4379-5T>C

Gene: KMT2C (lysine methyltransferase 2C; minus strand). Cytogenetic location: 7q36.1.
Variant type: single nucleotide variant.
Coding change: c.4379-5T>C on transcript NM_170606.3 (MANE Select); 5 bases into the intron before coding-DNA position 4379, T replaced by C.
Molecular consequence: intron variant.
Genome position (GRCh38, 1-based): chr7:152,194,573, A>G on the plus strand (T>C on the coding strand, the complement: KMT2C is on the minus strand). VCF-style: chr7-152194573-A-G. GRCh37 (hg19) VCF-style: chr7-151891658-A-G.
Identifiers: ClinVar variation 1592414 (VCV001592414.36), dbSNP rs764664193, ClinGen allele CA4580548.

ClinVar aggregate classification (germline): Likely benign. Review status: criteria provided, multiple submitters, no conflicts (2 of 4 stars). 2 submissions from 2 submitters: Likely benign (2). Last evaluated 2025-06-23.

Allele frequency attached by ClinVar (database versions not stated): gnomAD exomes 0.00001 and 0.00003; TOPMed 0.00002; ExAC 0.00003; gnomAD 0.00005 and 0.00006.
gnomAD v4.1: 32 of 1,610,056 alleles (0.002%); highest among the groups gnomAD compares: Non-Finnish European, 0.00093%; no homozygotes.

Submissions (2):

Labcorp Genetics (formerly Invitae), Labcorp
Classification: Likely benign. Last evaluated: 2025-06-23. Review status: criteria provided, single submitter. Criteria: Invitae Variant Classification Sherloc (09022015). Collection method: clinical testing. Allele origin: germline.

CeGaT Center for Human Genetics Tuebingen
Classification: Likely benign. Last evaluated: 2022-11-01. Review status: criteria provided, single submitter. Criteria: CeGaT Center For Human Genetics Tuebingen Variant Classification Criteria Version 2. Collection method: clinical testing. Allele origin: germline. Affected: yes. Observed: 1 variant allele.
Comment: KMT2C: BP4, BS2